The following is an entry in ClinVar:

ClinVar aggregate classification (germline): Likely pathogenic. Review status: criteria provided, single submitter (1 of 4 stars). 2 submissions from 2 submitters: Likely pathogenic (1). 1 of the submissions does not count toward it. Last evaluated 2024-07-26.

Conditions:
Autosomal recessive nonsyndromic hearing loss 18A. Also called: DEAFNESS, AUTOSOMAL RECESSIVE 18; Deafness, autosomal recessive 18A. Identifiers: Orphanet 90636, MedGen C1865870, MONDO:0011192, OMIM 602092.
Usher syndrome type 1C. Also called: USHER SYNDROME, TYPE I, ACADIAN VARIETY. Identifiers: Orphanet 231169, Orphanet 886, MedGen C1848604, MONDO:0010171, OMIM 276904.

Allele frequency attached by ClinVar (database versions not stated): TOPMed below 0.00001; gnomAD 0.00001.

Submissions (2):

GeneDx
Classification: Likely pathogenic. Last evaluated: 2024-07-26. Review status: criteria provided, single submitter. Criteria: GeneDx Variant Classification Process June 2021. Collection method: clinical testing. Allele origin: germline. Affected: yes.
Comment: Canonical splice site variant predicted to result in a null allele in a gene for which loss of function is a known mechanism of disease; Not observed at significant frequency in large population cohorts (gnomAD); Reported previously in an unaffected carrier; however, no further information was provided (PMID: 31964843); Reported using an alternate transcript of the gene; This variant is associated with the following publications: (PMID: 31964843)

Counsyl
Classification: Uncertain significance for Usher syndrome type 1C; Autosomal recessive nonsyndromic hearing loss 18A. Last evaluated: 2018-04-24. Review status: no assertion criteria provided. Collection method: clinical testing. Allele origin: unknown. Not counted in ClinVar's aggregate classification.

NM_153676.4(USH1C):c.1824del (p.Pro609fs)

Gene: USH1C (USH1 protein network component harmonin; minus strand). Cytogenetic location: 11p15.1.
Variant type: Deletion.
Coding change: c.1824del on transcript NM_153676.4 (MANE Select); coding-DNA position 1824, one base deleted (G; older notation c.1824delG).
Protein change: p.Pro609fs; shifts the reading frame from proline 609.
Molecular consequence: frameshift variant. On other transcripts: intron variant (2).
Genome position (GRCh38, 1-based): chr11:17,509,545, C deleted on the plus strand (G on the coding strand, the reverse complement: USH1C is on the minus strand). VCF-style (leftmost placement, unchanged base first): chr11-17509544-GC-G. GRCh37 (hg19) VCF-style: chr11-17531091-GC-G.
Other names: c.1228-7565del (NM_001297764.2); c.1285-7565del (NM_005709.4); short protein forms P609fs.
Identifiers: ClinVar variation 558021 (VCV000558021.3), dbSNP rs1389725640, ClinGen allele CA597904706.
Genomic context (GRCh38, chr11:17,509,544, plus strand): 5'-CTTCTTCCAGCGCCGAGGGCAGTGGGCGGGTGGGAGTGAGGTCTTGGGTGGGAACGGATG[GC>G]GGGGGAGGGATGGGAATGGGGGGTGGAGTGCGCTGCACCCATGGAGAGGATGAGGCGCTC-3'